The following is an entry in ClinVar:

ClinVar aggregate classification (germline): Uncertain significance (1 of 4 stars; one submission).

Conditions:
Glaucoma 1, open angle, E. Identifiers: MedGen C1842026, MONDO:0007665.
Primary open angle glaucoma (POAG). Also called: OPTN-related open angle glaucoma. Identifiers: MedGen C0339573, MONDO:0100553, OMIM 137760.
Amyotrophic lateral sclerosis type 12 (ALS12). Also called: AMYOTROPHIC LATERAL SCLEROSIS 12 WITH OR WITHOUT FRONTOTEMPORAL DEMENTIA. Identifiers: Orphanet 803, MedGen C3150692, MONDO:0013264, OMIM 613435.

Submission:

Labcorp Genetics (formerly Invitae), Labcorp
Classification: Uncertain significance for Primary open angle glaucoma; Glaucoma 1, open angle, E; Amyotrophic lateral sclerosis type 12. Last evaluated: 2022-02-01. Review status: criteria provided, single submitter. Criteria: Invitae Variant Classification Sherloc (09022015). Collection method: clinical testing. Allele origin: germline.
Comment: In summary, the available evidence is currently insufficient to determine the role of this variant in disease. Therefore, it has been classified as a Variant of Uncertain Significance. This variant has not been reported in the literature in individuals affected with OPTN-related conditions. This variant results in a copy number gain of the genomic region encompassing exon(s) 5-11 of the OPTN gene. While the exact position of this variant cannot be determined from the data, sub-genic copy number gains are generally in tandem (PMID: 25640679). This variant is predicted to be in-frame, and likely preserves the integrity of the reading frame.

Literature cited by the submitters: PubMed 25640679.

NC_000010.10:g.(?_13158247)_(13169923_?)dup

Gene: OPTN (optineurin; plus strand). Cytogenetic location: 10p13.
Variant type: Duplication.
Identifiers: ClinVar variation 2426703 (VCV002426703.6).